The following is an entry in ClinVar:

NM_006393.3(NEBL):c.2148+209A>G

Genes: NEBL (nebulette; minus strand), LOC126860875 (MED14-independent group 3 enhancer GRCh37_chr10:21105746-21106945; plus strand). Cytogenetic location: 10p12.31.
Variant type: single nucleotide variant.
Coding change: c.2148+209A>G on transcript NM_006393.3 (MANE Select); 209 bases into the intron after coding-DNA position 2148, A replaced by G.
Molecular consequence: intron variant.
Genome position (GRCh38, 1-based): chr10:20,817,391, T>C on the plus strand (A>G on the coding strand, the complement: NEBL is on the minus strand). VCF-style: chr10-20817391-T-C. GRCh37 (hg19) VCF-style: chr10-21106320-T-C.
Other names: c.250-4451A>G (NM_001377326.1, NM_001377327.1, NM_001377328.1); c.358-4451A>G (NM_213569.2, NM_001173484.2, NM_001377322.1); c.301-4451A>G (NM_001377324.1); c.292-4451A>G (NM_001377325.1); c.310-4451A>G (NM_001377323.1).
Identifiers: ClinVar variation 676594 (VCV000676594.1), dbSNP rs112774637, ClinGen allele CA204170192.

ClinVar aggregate classification (germline): Likely benign (1 of 4 stars; one submission).

Allele frequency attached by ClinVar (database versions not stated): gnomAD 0.00430 and 0.00462; 1000 Genomes Project 0.00459; TOPMed 0.00468; 1000 Genomes Project 30x 0.00547.
gnomAD v4.1: 645 of 152,036 alleles (0.42%); highest among the groups gnomAD compares: African/African-American, 1.5%; 5 homozygotes.

Submission:

GeneDx
Classification: Likely benign. Last evaluated: 2018-06-16. Review status: criteria provided, single submitter. Criteria: GeneDx Variant Classification (06012015). Collection method: clinical testing. Allele origin: germline. Affected: yes.
Comment: This variant is considered likely benign or benign based on one or more of the following criteria: it is a conservative change, it occurs at a poorly conserved position in the protein, it is predicted to be benign by multiple in silico algorithms, and/or has population frequency not consistent with disease.